The following is an entry in ClinVar:

ClinVar aggregate classification (germline): Uncertain significance (1 of 4 stars; one submission).

Submission:

Labcorp Genetics (formerly Invitae), Labcorp
Classification: Uncertain significance. Last evaluated: 2021-04-25. Review status: criteria provided, single submitter. Criteria: Invitae Variant Classification Sherloc (09022015). Collection method: clinical testing. Allele origin: germline.
Comment: In summary, the available evidence is currently insufficient to determine the role of this variant in disease. Therefore, it has been classified as a Variant of Uncertain Significance. Algorithms developed to predict the effect of missense changes on protein structure and function are either unavailable or do not agree on the potential impact of this missense change (SIFT: "Deleterious"; PolyPhen-2: "Probably Damaging"; Align-GVGD: "Class C0"). This variant has not been reported in the literature in individuals with TNFRSF11A-related conditions. This variant is not present in population databases (ExAC no frequency). This sequence change replaces tyrosine with asparagine at codon 349 of the TNFRSF11A protein (p.Tyr349Asn). The tyrosine residue is highly conserved and there is a large physicochemical difference between tyrosine and asparagine.

NM_003839.4(TNFRSF11A):c.1045T>A (p.Tyr349Asn)

Gene: TNFRSF11A (TNF receptor superfamily member 11a; plus strand). Cytogenetic location: 18q21.33.
Variant type: single nucleotide variant.
Coding change: c.1045T>A on transcript NM_003839.4 (MANE Select); coding-DNA position 1045, T replaced by A.
Protein change: p.Tyr349Asn; replaces tyrosine 349 with asparagine.
Molecular consequence: missense variant. On other transcripts: intron variant (3).
Genome position (GRCh38, 1-based): chr18:62,368,962, T>A. VCF-style: chr18-62368962-T-A. GRCh37 (hg19) VCF-style: chr18-60036195-T-A.
Other names: c.1003T>A, p.Tyr335Asn (NM_001278268.2); c.783+2202T>A (NM_001270949.2); c.730+7169T>A (NM_001270950.2); c.616+8913T>A (NM_001270951.2); short protein forms Y335N, Y349N.
Identifiers: ClinVar variation 1378606 (VCV001378606.8), dbSNP rs2145355742, ClinGen allele CA402616840.